The following is an entry in ClinVar:

NM_033305.3(VPS13A):c.4157G>C (p.Arg1386Pro)

Gene: VPS13A (vacuolar protein sorting 13 homolog A; plus strand). Cytogenetic location: 9q21.2.
Variant type: single nucleotide variant.
Coding change: c.4157G>C on transcript NM_033305.3 (MANE Select); coding-DNA position 4157, G replaced by C.
Protein change: p.Arg1386Pro; replaces arginine 1386 with proline.
Molecular consequence: missense variant.
Genome position (GRCh38, 1-based): chr9:77,314,034, G>C. VCF-style: chr9-77314034-G-C. GRCh37 (hg19) VCF-style: chr9-79928950-G-C.
Other names: c.4040G>C, p.Arg1347Pro (NM_001018037.2); c.4157G>C, p.Arg1386Pro (NM_001018038.3, NM_015186.4); short protein forms R1386P, R1347P.
Identifiers: ClinVar variation 2152906 (VCV002152906.4), dbSNP rs758635064, ClinGen allele CA5092455.

ClinVar aggregate classification (germline): Uncertain significance (1 of 4 stars; one submission).

gnomAD v4.1: 13 of 1,613,254 alleles (0.00081%); highest among the groups gnomAD compares: South Asian, 0.0011%; no homozygotes.

Submission:

Labcorp Genetics (formerly Invitae), Labcorp
Classification: Uncertain significance. Last evaluated: 2025-10-12. Review status: criteria provided, single submitter. Criteria: Invitae Variant Classification Sherloc (09022015). Collection method: clinical testing. Allele origin: germline.
Comment: This sequence change replaces arginine, which is basic and polar, with proline, which is neutral and non-polar, at codon 1386 of the VPS13A protein (p.Arg1386Pro). This variant is present in population databases (rs758635064, gnomAD 0.0009%). This variant has not been reported in the literature in individuals affected with VPS13A-related conditions. ClinVar contains an entry for this variant (Variation ID: 2152906). An algorithm developed to predict the effect of missense changes on protein structure and function (PolyPhen-2) suggests that this variant is likely to be tolerated. In summary, the available evidence is currently insufficient to determine the role of this variant in disease. Therefore, it has been classified as a Variant of Uncertain Significance.